The following is an entry in ClinVar:

ClinVar aggregate classification (germline): Uncertain significance (1 of 4 stars; one submission).

Submission:

Labcorp Genetics (formerly Invitae), Labcorp
Classification: Uncertain significance. Last evaluated: 2023-04-28. Review status: criteria provided, single submitter. Criteria: Invitae Variant Classification Sherloc (09022015). Collection method: clinical testing. Allele origin: germline.
Comment: In summary, the available evidence is currently insufficient to determine the role of this variant in disease. Therefore, it has been classified as a Variant of Uncertain Significance. Algorithms developed to predict the effect of missense changes on protein structure and function output the following: SIFT: "Not Available"; PolyPhen-2: "Benign"; Align-GVGD: "Not Available". The alanine amino acid residue is found in multiple mammalian species, which suggests that this missense change does not adversely affect protein function. This variant has not been reported in the literature in individuals affected with DSG1-related conditions. This variant is not present in population databases (gnomAD no frequency). This sequence change replaces threonine, which is neutral and polar, with alanine, which is neutral and non-polar, at codon 930 of the DSG1 protein (p.Thr930Ala).

NM_001942.4(DSG1):c.2788A>G (p.Thr930Ala)

Genes: DSG1 (desmoglein 1; plus strand), DSG1-AS1 (DSG1 antisense RNA 1; minus strand). Cytogenetic location: 18q12.1.
Variant type: single nucleotide variant.
Coding change: c.2788A>G on transcript NM_001942.4 (MANE Select); coding-DNA position 2788, A replaced by G.
Protein change: p.Thr930Ala; replaces threonine 930 with alanine.
Molecular consequence: missense variant.
Genome position (GRCh38, 1-based): chr18:31,354,984, A>G. VCF-style: chr18-31354984-A-G. GRCh37 (hg19) VCF-style: chr18-28934947-A-G.
Other names: short protein forms T930A.
Identifiers: ClinVar variation 2792393 (VCV002792393.3), dbSNP rs2510846173, ClinGen allele CA402124536.
Genomic context (GRCh38, chr18:31,354,984, plus strand): 5'-ACTATCCATCATCCTAGAGAGTCTTCAAATGTGGTAGTGACAGAAAGAGTAATCCAACCA[A>G]CTTCCGGCATGATAGGTAGTCTGAGTATGCACCCCGAGTTAGCCAATGCCCACAATGTCA-3'
Protein context (NP_001933.2, residues 920-940): VVVTERVIQP[Thr930Ala]SGMIGSLSMH